The following is an entry in ClinVar:

ClinVar aggregate classification (germline): Uncertain significance. Review status: criteria provided, multiple submitters, no conflicts (2 of 4 stars). 2 submissions from 2 submitters: Uncertain significance (2). Last evaluated 2024-04-24.

Conditions:
Marfan syndrome (MFS). Also called: MARFAN SYNDROME, TYPE I; Marfan syndrome type 1; Marfan's syndrome; FBN1-Related Marfan Syndrome; Marfan syndrome, classic. Identifiers: Orphanet 284963, Orphanet 558, MedGen C0024796, MONDO:0007947, OMIM 154700.
Familial thoracic aortic aneurysm and aortic dissection (TAAD). Also called: Thoracic aortic aneurysms and dissections. Identifiers: Orphanet 91387, MedGen C4707243, MONDO:0019625.

Submissions (2):

Labcorp Genetics (formerly Invitae), Labcorp
Classification: Uncertain significance for Marfan syndrome; Familial thoracic aortic aneurysm and aortic dissection. Last evaluated: 2024-04-24. Review status: criteria provided, single submitter. Criteria: Invitae Variant Classification Sherloc (09022015). Collection method: clinical testing. Allele origin: germline.
Comment: This sequence change replaces asparagine, which is neutral and polar, with threonine, which is neutral and polar, at codon 1149 of the FBN1 protein (p.Asn1149Thr). This variant is not present in population databases (gnomAD no frequency). This variant has not been reported in the literature in individuals affected with FBN1-related conditions. Advanced modeling of protein sequence and biophysical properties (such as structural, functional, and spatial information, amino acid conservation, physicochemical variation, residue mobility, and thermodynamic stability) performed at Invitae indicates that this missense variant is not expected to disrupt FBN1 protein function with a negative predictive value of 95%. In summary, the available evidence is currently insufficient to determine the role of this variant in disease. Therefore, it has been classified as a Variant of Uncertain Significance.

All of Us Research Program, National Institutes of Health
Classification: Uncertain significance for Marfan syndrome. Last evaluated: 2024-03-05. Review status: criteria provided, single submitter. Criteria: ACMG Guidelines, 2015. Collection method: clinical testing. Allele origin: germline. Inheritance: Autosomal dominant inheritance. Observed: 1 variant allele, 1 heterozygote.
Comment: This study involves interpretation of variants in research participants for the purpose of population health screening. Participant phenotype was not available at the time of variant classification. Additional details can be found in publication PMID: 35346344, PMCID: PMC8962531

NM_000138.5(FBN1):c.3446A>C (p.Asn1149Thr)

Gene: FBN1 (fibrillin 1; minus strand). Cytogenetic location: 15q21.1.
Variant type: single nucleotide variant.
Coding change: c.3446A>C on transcript NM_000138.5 (MANE Select); coding-DNA position 3446, A replaced by C.
Protein change: p.Asn1149Thr; replaces asparagine 1149 with threonine.
Molecular consequence: missense variant.
Genome position (GRCh38, 1-based): chr15:48,487,329, T>G on the plus strand (A>C on the coding strand, the complement: FBN1 is on the minus strand). VCF-style: chr15-48487329-T-G. GRCh37 (hg19) VCF-style: chr15-48779526-T-G.
Other names: c.3446A>C, p.Asn1149Thr (NM_001406716.1); short protein forms N1149T.
Identifiers: ClinVar variation 3386816 (VCV003386816.3).